The following is an entry in ClinVar:

ClinVar aggregate classification (germline): Uncertain significance. Review status: criteria provided, multiple submitters, no conflicts (2 of 4 stars). 2 submissions from 2 submitters: Uncertain significance (2). Last evaluated 2023-10-03.

Conditions:
NEXMIF-related disorder. Also called: NEXMIF-related condition.

Allele frequency attached by ClinVar (database versions not stated): gnomAD exomes below 0.00001.
gnomAD v4.1: 1 of 1,211,169 alleles (0.000083%); highest among the groups gnomAD compares: Non-Finnish European, 0.00011%; no homozygotes.

Submissions (2):

Labcorp Genetics (formerly Invitae), Labcorp
Classification: Uncertain significance. Last evaluated: 2023-10-03. Review status: criteria provided, single submitter. Criteria: Invitae Variant Classification Sherloc (09022015). Collection method: clinical testing. Allele origin: germline.
Comment: This sequence change replaces aspartic acid, which is acidic and polar, with asparagine, which is neutral and polar, at codon 377 of the NEXMIF protein (p.Asp377Asn). This variant is not present in population databases (gnomAD no frequency). This variant has not been reported in the literature in individuals affected with NEXMIF-related conditions. An algorithm developed to predict the effect of missense changes on protein structure and function (PolyPhen-2) suggests that this variant is likely to be tolerated. In summary, the available evidence is currently insufficient to determine the role of this variant in disease. Therefore, it has been classified as a Variant of Uncertain Significance.

PreventionGenetics, part of Exact Sciences
Classification: Uncertain significance for NEXMIF-related condition. Last evaluated: 2022-09-26. Review status: criteria provided, single submitter. Criteria: ACMG Guidelines, 2015. Collection method: clinical testing. Allele origin: germline.
Comment: The NEXMIF c.1129G>A variant is predicted to result in the amino acid substitution p.Asp377Asn. To our knowledge, this variant has not been reported in the literature or in a large population database, indicating this variant is rare. At this time, the clinical significance of this variant is uncertain due to the absence of conclusive functional and genetic evidence.

NM_001008537.3(NEXMIF):c.1129G>A (p.Asp377Asn)

Gene: NEXMIF (neurite extension and migration factor; minus strand). Cytogenetic location: Xq13.3.
Variant type: single nucleotide variant.
Coding change: c.1129G>A on transcript NM_001008537.3 (MANE Select); coding-DNA position 1129, G replaced by A.
Protein change: p.Asp377Asn; replaces aspartic acid 377 with asparagine.
Molecular consequence: missense variant.
Genome position (GRCh38, 1-based): chrX:74,743,428, C>T on the plus strand (G>A on the coding strand, the complement: NEXMIF is on the minus strand). VCF-style: chrX-74743428-C-T. GRCh37 (hg19) VCF-style: chrX-73963263-C-T.
Other names: short protein forms D377N.
Identifiers: ClinVar variation 2628449 (VCV002628449.4), dbSNP rs935608397, ClinGen allele CA331301796.